The following is an entry in ClinVar:

NM_001734.5(C1S):c.1838C>A (p.Thr613Asn)

Gene: C1S (complement C1s; plus strand). Cytogenetic location: 12p13.31.
Variant type: single nucleotide variant.
Coding change: c.1838C>A on transcript NM_001734.5 (MANE Select); coding-DNA position 1838, C replaced by A.
Protein change: p.Thr613Asn; replaces threonine 613 with asparagine.
Molecular consequence: missense variant.
Genome position (GRCh38, 1-based): chr12:7,070,422, C>A. VCF-style: chr12-7070422-C-A. GRCh37 (hg19) VCF-style: chr12-7177726-C-A.
Other names: c.1337C>A, p.Thr446Asn (NM_001346850.2); c.1838C>A, p.Thr613Asn (NM_201442.4); short protein forms T613N, T446N.
Identifiers: ClinVar variation 2128155 (VCV002128155.4), dbSNP rs1565625146, ClinGen allele CA383707352.

ClinVar aggregate classification (germline): Uncertain significance (1 of 4 stars; one submission).

Submission:

Labcorp Genetics (formerly Invitae), Labcorp
Classification: Uncertain significance. Last evaluated: 2022-04-28. Review status: criteria provided, single submitter. Criteria: Invitae Variant Classification Sherloc (09022015). Collection method: clinical testing. Allele origin: germline.
Comment: This sequence change replaces threonine, which is neutral and polar, with asparagine, which is neutral and polar, at codon 613 of the C1S protein (p.Thr613Asn). This variant is not present in population databases (gnomAD no frequency). This variant has not been reported in the literature in individuals affected with C1S-related conditions. Algorithms developed to predict the effect of missense changes on protein structure and function (SIFT, PolyPhen-2, Align-GVGD) all suggest that this variant is likely to be disruptive. In summary, the available evidence is currently insufficient to determine the role of this variant in disease. Therefore, it has been classified as a Variant of Uncertain Significance.